The following is an entry in ClinVar:

NM_001378030.1(CCDC78):c.669T>C (p.Arg223=)

Gene: CCDC78 (coiled-coil domain containing 78; minus strand). Cytogenetic location: 16p13.3.
Variant type: single nucleotide variant.
Coding change: c.669T>C on transcript NM_001378030.1 (MANE Select); coding-DNA position 669, T replaced by C.
Protein change: p.Arg223=; no amino-acid change (arginine 223 retained).
Molecular consequence: synonymous variant. On other transcripts: non-coding transcript variant (5), intron variant (1).
Genome position (GRCh38, 1-based): chr16:724,777, A>G on the plus strand (T>C on the coding strand, the complement: CCDC78 is on the minus strand). VCF-style: chr16-724777-A-G. GRCh37 (hg19) VCF-style: chr16-774777-A-G.
Other names: c.669T>C, p.Arg223= (NM_001031737.3, NM_001378031.1); c.199-268T>C (NM_001378033.1); c.669T>C (NM_001031737.2).
Identifiers: ClinVar variation 2193033 (VCV002193033.6), dbSNP rs766296563, ClinGen allele CA7789460.
Genomic context (GRCh38, chr16:724,777, plus strand): 5'-GTACTCATCCTTCAGTTTCTTGAGCTGCAGCTGCAGCCGGGCATTTTCAGCCTCTGCCTG[A>G]CGGAGCTGGCCTTGGCAGCTGCACAGCACCTGGGGTGGAAGCAGCCCTCCACCTGTGCCC-3'
Protein context (NP_001364959.1, residues 213-233): VVLCSCQGQL[Arg223=]QAEAENARLQ

ClinVar aggregate classification (germline): Likely benign. Review status: criteria provided, single submitter (1 of 4 stars). 2 submissions from 2 submitters: Likely benign (1). 1 of the submissions does not count toward it. Last evaluated 2022-09-27.

Conditions:
Congenital myopathy with internal nuclei and atypical cores. Also called: Myopathy, centronuclear, 4. Identifiers: Orphanet 319160, MedGen C4707232, MONDO:0013890, OMIM 614807.
CCDC78-related disorder. Also called: CCDC78-related condition.

Allele frequency attached by ClinVar (database versions not stated): TOPMed below 0.00001; gnomAD exomes 0.00003; ExAC 0.00004; gnomAD 0.00009.
gnomAD v4.1: 58 of 1,612,016 alleles (0.0036%); highest among the groups gnomAD compares: Non-Finnish European, 0.000085%; no homozygotes.

Submissions (2):

Labcorp Genetics (formerly Invitae), Labcorp
Classification: Likely benign for Congenital myopathy with internal nuclei and atypical cores. Last evaluated: 2022-09-27. Review status: criteria provided, single submitter. Criteria: Invitae Variant Classification Sherloc (09022015). Collection method: clinical testing. Allele origin: germline.

PreventionGenetics, part of Exact Sciences
Classification: Likely benign for CCDC78-related condition. Last evaluated: 2022-10-03. Review status: no assertion criteria provided. Collection method: clinical testing. Allele origin: germline. Not counted in ClinVar's aggregate classification.
Comment: This variant is classified as likely benign based on ACMG/AMP sequence variant interpretation guidelines (Richards et al. 2015 PMID: 25741868, with internal and published modifications).